The following is an entry in ClinVar:

NM_001909.5(CTSD):c.573C>T (p.Ile191=)

Gene: CTSD (cathepsin D; minus strand). Cytogenetic location: 11p15.5.
Variant type: single nucleotide variant.
Coding change: c.573C>T on transcript NM_001909.5 (MANE Select); coding-DNA position 573, C replaced by T.
Protein change: p.Ile191=; no amino-acid change (isoleucine 191 retained).
Molecular consequence: synonymous variant.
Genome position (GRCh38, 1-based): chr11:1,757,455, G>A on the plus strand (C>T on the coding strand, the complement: CTSD is on the minus strand). VCF-style: chr11-1757455-G-A. GRCh37 (hg19) VCF-style: chr11-1778685-G-A.
Other names: c.573C>T (NM_001909.4).
Identifiers: ClinVar variation 2194027 (VCV002194027.5), dbSNP rs1165243731, ClinGen allele CA471986022.

ClinVar aggregate classification (germline): Conflicting classifications of pathogenicity. Review status: criteria provided, conflicting classifications (1 of 4 stars). 2 submissions from 2 submitters: Uncertain significance (1); Likely benign (1). Last evaluated 2026-06-26.

Conditions:
Inborn genetic diseases. Identifiers: MedGen C0950123, MeSH D030342.
Neuronal ceroid lipofuscinosis. Also called: Neuronal Ceroid Lipofuscinoses. Identifiers: Orphanet 216, Orphanet 79263, MedGen C0027877, MONDO:0016295. Disease mechanism: loss of function.

Allele frequency attached by ClinVar (database versions not stated): gnomAD 0.00001.
gnomAD v4.1: 7 of 1,613,992 alleles (0.00043%); highest among the groups gnomAD compares: Non-Finnish European, 0.00059%; no homozygotes.

Submissions (2):

Ambry Genetics
Classification: Uncertain significance for Inborn genetic diseases. Last evaluated: 2026-06-26. Review status: criteria provided, single submitter. Criteria: Ambry Variant Classification Scheme 2023. Collection method: clinical testing. Allele origin: germline.
Comment: The c.573C>T (p.I191I) alteration is located in exon 5 (coding exon 5) of the CTSD gene. This alteration consists of a C to T substitution at nucleotide position 573. This nucleotide substitution does not change the amino acid at codon 191. However, this change occurs in the last nucleotide of Exon 5 (c.472_704) which makes it likely to have some effect on normal mRNA splicing. Based on data from gnomAD, the T allele has an overall frequency of 0.003% (1/31400) total alleles studied. The highest observed frequency was 0.007% (1/15424) of European (non-Finnish) alleles. Based on insufficient or conflicting evidence, the clinical significance of this alteration remains unclear.

Labcorp Genetics (formerly Invitae), Labcorp
Classification: Likely benign for Neuronal ceroid lipofuscinosis. Last evaluated: 2024-04-16. Review status: criteria provided, single submitter. Criteria: Invitae Variant Classification Sherloc (09022015). Collection method: clinical testing. Allele origin: germline.